The following is an entry in ClinVar:

NM_001276379.2(LZTFL1):c.27+5G>A

Gene: LZTFL1 (leucine zipper transcription factor like 1; minus strand). Cytogenetic location: 3p21.31.
Variant type: single nucleotide variant.
Coding change: c.27+5G>A on transcript NM_001276379.2; 5 bases into the intron after coding-DNA position 27, G replaced by A.
Molecular consequence: intron variant.
Genome position (GRCh38, 1-based): chr3:45,913,115, C>T on the plus strand (G>A on the coding strand, the complement: LZTFL1 is on the minus strand). VCF-style: chr3-45913115-C-T. GRCh37 (hg19) VCF-style: chr3-45954607-C-T.
Other names: c.27+5G>A (NM_001405925.1, NM_001405920.1, NM_001405921.1); c.-138+5G>A (NM_001405927.1, NM_001276378.2); c.-177+5G>A (NM_001405926.1, NM_001405923.1).
Identifiers: ClinVar variation 4992381 (VCV004992381.1).

ClinVar aggregate classification (germline): Uncertain significance (1 of 4 stars; one submission).

Conditions:
LZTFL1-related disorder. Also called: LZTFL1-related condition.

gnomAD v4.1: 7 of 1,535,944 alleles (0.00046%); highest among the groups gnomAD compares: Non-Finnish European, 0.00061%; no homozygotes.

Submission:

PreventionGenetics, part of Exact Sciences
Classification: Uncertain significance for LZTFL1-related condition. Last evaluated: 2026-03-09. Review status: criteria provided, single submitter. Criteria: ACMG Guidelines, 2015. Collection method: clinical testing. Allele origin: germline.
Comment: The LZTFL1 c.27+5G>A variant is predicted to interfere with splicing. This variant is pre-coding in an alternative transcript NM_020347:c.-71124G>A. To our knowledge, this variant has not been reported in the literature. This variant is reported in 0.0019% of alleles in individuals of European (Non-Finnish) descent in gnomAD. At this time, the clinical significance of this variant is uncertain due to the absence of conclusive functional and genetic evidence.